The following is an entry in ClinVar:

NM_000094.4(COL7A1):c.298G>A (p.Gly100Arg)

Gene: COL7A1 (collagen type VII alpha 1 chain; minus strand). Cytogenetic location: 3p21.31.
Variant type: single nucleotide variant.
Coding change: c.298G>A on transcript NM_000094.4 (MANE Select); coding-DNA position 298, G replaced by A.
Protein change: p.Gly100Arg; replaces glycine 100 with arginine.
Molecular consequence: missense variant.
Genome position (GRCh38, 1-based): chr3:48,593,665, C>T on the plus strand (G>A on the coding strand, the complement: COL7A1 is on the minus strand). VCF-style: chr3-48593665-C-T. GRCh37 (hg19) VCF-style: chr3-48631098-C-T.
Other names: short protein forms G100R.
Identifiers: ClinVar variation 2171390 (VCV002171390.3), dbSNP rs748986531, ClinGen allele CA2381583.
Genomic context (GRCh38, chr3:48,593,665, plus strand): 5'-CTGTGCGAGTGTTGCCCCCCTTGTAGCTAAGCTCACGGATGGCGCGGATCACATCACCCC[C>T]AGAGCCAAGTGCATCCAGGCCGAACTCTGTCCTGTTGGAGGGTAGGGGTGGCAACAGGCT-3'
Protein context (NP_000085.1, residues 90-110): TEFGLDALGS[Gly100Arg]GDVIRAIREL

ClinVar aggregate classification (germline): Uncertain significance. Review status: criteria provided, multiple submitters, no conflicts (2 of 4 stars). 3 submissions from 3 submitters: Uncertain significance (3). Last evaluated 2024-12-21.

Conditions:
COL7A1-related disorder. Also called: COL7A1- related disorders; COL7A1-related condition.

Allele frequency attached by ClinVar (database versions not stated): TOPMed below 0.00001; gnomAD 0.00001; ExAC 0.00002; gnomAD exomes below 0.00001.
gnomAD v4.1: 3 of 1,614,128 alleles (0.00019%); highest among the groups gnomAD compares: Non-Finnish European, 0.00025%; no homozygotes.

Submissions (3):

PreventionGenetics, part of Exact Sciences
Classification: Uncertain significance for COL7A1-related condition. Last evaluated: 2024-12-21. Review status: criteria provided, single submitter. Criteria: ACMG Guidelines, 2015. Collection method: clinical testing. Allele origin: germline.
Comment: The COL7A1 c.298G>A variant is predicted to result in the amino acid substitution p.Gly100Arg. To our knowledge, this variant has not been reported in the literature. This variant is reported in 0.0018% of alleles in individuals of European (Non-Finnish) descent in gnomAD. At this time, the clinical significance of this variant is uncertain due to the absence of conclusive functional and genetic evidence.

Women's Health and Genetics/Laboratory Corporation of America, LabCorp
Classification: Uncertain significance. Last evaluated: 2024-12-14. Review status: criteria provided, single submitter. Criteria: LabCorp Variant Classification Summary - May 2015. Collection method: clinical testing. Allele origin: germline.

Labcorp Genetics (formerly Invitae), Labcorp
Classification: Uncertain significance. Last evaluated: 2022-08-23. Review status: criteria provided, single submitter. Criteria: Invitae Variant Classification Sherloc (09022015). Collection method: clinical testing. Allele origin: germline.
Comment: This sequence change replaces glycine, which is neutral and non-polar, with arginine, which is basic and polar, at codon 100 of the COL7A1 protein (p.Gly100Arg). This variant is present in population databases (rs748986531, gnomAD 0.002%). This variant has not been reported in the literature in individuals affected with COL7A1-related conditions. Algorithms developed to predict the effect of missense changes on protein structure and function are either unavailable or do not agree on the potential impact of this missense change (SIFT: "Deleterious"; PolyPhen-2: "Not Available"; Align-GVGD: "Class C0"). Algorithms developed to predict the effect of sequence changes on RNA splicing suggest that this variant may create or strengthen a splice site. In summary, the available evidence is currently insufficient to determine the role of this variant in disease. Therefore, it has been classified as a Variant of Uncertain Significance.